The following is an entry in ClinVar:

NM_032776.3(JMJD1C):c.1840C>T (p.His614Tyr)

Gene: JMJD1C (jumonji domain containing 1C; minus strand). Cytogenetic location: 10q21.3.
Variant type: single nucleotide variant.
Coding change: c.1840C>T on transcript NM_032776.3 (MANE Select); coding-DNA position 1840, C replaced by T.
Protein change: p.His614Tyr; replaces histidine 614 with tyrosine.
Molecular consequence: missense variant. On other transcripts: non-coding transcript variant (1).
Genome position (GRCh38, 1-based): chr10:63,214,327, G>A on the plus strand (C>T on the coding strand, the complement: JMJD1C is on the minus strand). VCF-style: chr10-63214327-G-A. GRCh37 (hg19) VCF-style: chr10-64974087-G-A.
Other names: c.1294C>T, p.His432Tyr (NM_001282948.2, NM_001318154.2); c.976C>T, p.His326Tyr (NM_001318153.2); c.1726C>T, p.His576Tyr (NM_001322252.2); c.1183C>T, p.His395Tyr (NM_001322254.2, NM_001322258.2); c.1840C>T (NM_032776.1); short protein forms H614Y, H432Y, H576Y, H395Y, H326Y.
Identifiers: ClinVar variation 664071 (VCV000664071.9), dbSNP rs779543715, ClinGen allele CA5518736.

ClinVar aggregate classification (germline): Uncertain significance. Review status: criteria provided, multiple submitters, no conflicts (2 of 4 stars). 2 submissions from 2 submitters: Uncertain significance (2). Last evaluated 2024-04-10.

Conditions:
Early Myoclonic Encephalopathy. Identifiers: MedGen C0270855.

Allele frequency attached by ClinVar (database versions not stated): gnomAD 0.00003; gnomAD exomes 0.00003 and 0.00006; TOPMed 0.00004; ExAC 0.00004.
gnomAD v4.1: 88 of 1,613,844 alleles (0.0055%); highest among the groups gnomAD compares: Non-Finnish European, 0.007%; no homozygotes.

Submissions (2):

Labcorp Genetics (formerly Invitae), Labcorp
Classification: Uncertain significance for Early Myoclonic Encephalopathy. Last evaluated: 2024-04-10. Review status: criteria provided, single submitter. Criteria: Invitae Variant Classification Sherloc (09022015). Collection method: clinical testing. Allele origin: germline.
Comment: This sequence change replaces histidine, which is basic and polar, with tyrosine, which is neutral and polar, at codon 614 of the JMJD1C protein (p.His614Tyr). This variant is present in population databases (rs779543715, gnomAD 0.005%). This variant has not been reported in the literature in individuals affected with JMJD1C-related conditions. ClinVar contains an entry for this variant (Variation ID: 664071). Advanced modeling of protein sequence and biophysical properties (such as structural, functional, and spatial information, amino acid conservation, physicochemical variation, residue mobility, and thermodynamic stability) performed at Invitae indicates that this missense variant is expected to disrupt JMJD1C protein function with a positive predictive value of 80%. In summary, the available evidence is currently insufficient to determine the role of this variant in disease. Therefore, it has been classified as a Variant of Uncertain Significance.

Ambry Genetics
Classification: Uncertain significance. Last evaluated: 2024-03-26. Review status: criteria provided, single submitter. Criteria: Ambry Variant Classification Scheme 2023. Collection method: clinical testing. Allele origin: germline.